The following is an entry in ClinVar:

ClinVar aggregate classification (germline): Uncertain significance (1 of 4 stars; one submission).

Conditions:
Loeys-Dietz syndrome 2 (LDS2). Also called: TGFBR2-Related Loeys-Dietz Syndrome; AORTIC ANEURYSM, FAMILIAL THORACIC 3; MARFAN SYNDROME, TYPE II; Marfan syndrome, type 2 (formerly); Marfan Syndrome type 2; Marfan like connective tissue disorder. Identifiers: Orphanet 284973, Orphanet 558, MedGen C2674574, MONDO:0012427, OMIM 610168.

Allele frequency attached by ClinVar (database versions not stated): gnomAD exomes 0.00001; ExAC 0.00002.
gnomAD v4.1: 17 of 1,614,132 alleles (0.0011%); highest among the groups gnomAD compares: East Asian, 0.011%; no homozygotes.

Submission:

Labcorp Genetics (formerly Invitae), Labcorp
Classification: Uncertain significance for Loeys-Dietz syndrome 2. Last evaluated: 2025-02-03. Review status: criteria provided, single submitter. Criteria: Invitae Variant Classification Sherloc (09022015). Collection method: clinical testing. Allele origin: germline.
Comment: This sequence change replaces isoleucine, which is neutral and non-polar, with threonine, which is neutral and polar, at codon 412 of the TMPO protein (p.Ile412Thr). This variant is present in population databases (rs753527126, gnomAD 0.006%). This variant has not been reported in the literature in individuals affected with TMPO-related conditions. ClinVar contains an entry for this variant (Variation ID: 310767). Invitae Evidence Modeling of protein sequence and biophysical properties (such as structural, functional, and spatial information, amino acid conservation, physicochemical variation, residue mobility, and thermodynamic stability) indicates that this missense variant is not expected to disrupt TMPO protein function with a negative predictive value of 80%. In summary, the available evidence is currently insufficient to determine the role of this variant in disease. Therefore, it has been classified as a Variant of Uncertain Significance.

NM_001032283.3(TMPO):c.565+1654T>C

Gene: TMPO (thymopoietin; plus strand). Cytogenetic location: 12q23.1.
Variant type: single nucleotide variant.
Coding change: c.565+1654T>C on transcript NM_001032283.3 (MANE Select); 1654 bases into the intron after coding-DNA position 565, T replaced by C.
Molecular consequence: intron variant. On other transcripts: missense variant (1).
Genome position (GRCh38, 1-based): chr12:98,533,492, T>C. VCF-style: chr12-98533492-T-C. GRCh37 (hg19) VCF-style: chr12-98927270-T-C.
Other names: c.1235T>C, p.Ile412Thr (NM_003276.2); c.565+1654T>C (NM_001307975.2, NM_001032284.3); short protein forms I412T.
Identifiers: ClinVar variation 310767 (VCV000310767.9), dbSNP rs753527126, ClinGen allele CA6732386.